The following is an entry in ClinVar:

NM_000526.5(KRT14):c.463C>T (p.Arg155Trp)

Gene: KRT14 (keratin 14; minus strand). Cytogenetic location: 17q21.2.
Variant type: single nucleotide variant.
Coding change: c.463C>T on transcript NM_000526.5 (MANE Select); coding-DNA position 463, C replaced by T.
Protein change: p.Arg155Trp; replaces arginine 155 with tryptophan.
Molecular consequence: missense variant.
Genome position (GRCh38, 1-based): chr17:41,586,372, G>A on the plus strand (C>T on the coding strand, the complement: KRT14 is on the minus strand). VCF-style: chr17-41586372-G-A. GRCh37 (hg19) VCF-style: chr17-39742624-G-A.
Other names: short protein forms R155W.
Identifiers: ClinVar variation 2904064 (VCV002904064.3), dbSNP rs146346549, ClinGen allele CA8562715.

ClinVar aggregate classification (germline): Uncertain significance (1 of 4 stars; one submission).

Allele frequency attached by ClinVar (database versions not stated): ESP Exome Variant Server 0.00008; gnomAD 0.00009; TOPMed 0.00009; ExAC 0.00012.
gnomAD v4.1: 172 of 1,613,364 alleles (0.011%); highest among the groups gnomAD compares: Middle Eastern, 0.18%; no homozygotes.

Submission:

Labcorp Genetics (formerly Invitae), Labcorp
Classification: Uncertain significance. Last evaluated: 2023-05-25. Review status: criteria provided, single submitter. Criteria: Invitae Variant Classification Sherloc (09022015). Collection method: clinical testing. Allele origin: germline.
Comment: In summary, the available evidence is currently insufficient to determine the role of this variant in disease. Therefore, it has been classified as a Variant of Uncertain Significance. Advanced modeling of protein sequence and biophysical properties (such as structural, functional, and spatial information, amino acid conservation, physicochemical variation, residue mobility, and thermodynamic stability) performed at Invitae indicates that this missense variant is not expected to disrupt KRT14 protein function. This variant has not been reported in the literature in individuals affected with KRT14-related conditions. This variant is present in population databases (rs146346549, gnomAD 0.02%). This sequence change replaces arginine, which is basic and polar, with tryptophan, which is neutral and slightly polar, at codon 155 of the KRT14 protein (p.Arg155Trp).